The following is an entry in ClinVar:

NM_001378452.1(ITPR1):c.7867+6T>G

Genes: ITPR1 (inositol 1,4,5-trisphosphate receptor type 1; plus strand), LOC126806590 (MED14-independent group 3 enhancer GRCh37_chr3:4855759-4856958; plus strand). Cytogenetic location: 3p26.1.
Variant type: single nucleotide variant.
Coding change: c.7867+6T>G on transcript NM_001378452.1 (MANE Select); 6 bases into the intron after coding-DNA position 7867, T replaced by G.
Molecular consequence: intron variant.
Genome position (GRCh38, 1-based): chr3:4,815,224, T>G. VCF-style: chr3-4815224-T-G. GRCh37 (hg19) VCF-style: chr3-4856908-T-G.
Other names: c.7723+6T>G (NM_001099952.4); c.7822+6T>G (NM_001168272.2); c.7678+6T>G (NM_002222.7).
Identifiers: ClinVar variation 2430817 (VCV002430817.5), dbSNP rs1336247157, ClinGen allele CA1342345121.

ClinVar aggregate classification (germline): Uncertain significance. Review status: criteria provided, multiple submitters, no conflicts (2 of 4 stars). 2 submissions from 2 submitters: Uncertain significance (2). Last evaluated 2026-01-13.

Submissions (2):

GeneDx
Classification: Uncertain significance. Last evaluated: 2026-01-13. Review status: criteria provided, single submitter. Criteria: GeneDx Variant Classification Process June 2021. Collection method: clinical testing. Allele origin: germline.
Comment: In silico analysis is inconclusive as to whether the variant alters gene splicing. In the absence of RNA/functional studies, the actual effect of this sequence change is unknown.; Not observed at significant frequency in large population cohorts (gnomAD); Has not been previously published as pathogenic or benign to our knowledge

Labcorp Genetics (formerly Invitae), Labcorp
Classification: Uncertain significance. Last evaluated: 2025-06-09. Review status: criteria provided, single submitter. Criteria: Invitae Variant Classification Sherloc (09022015). Collection method: clinical testing. Allele origin: germline.
Comment: This sequence change falls in intron 55 of the ITPR1 gene. It does not directly change the encoded amino acid sequence of the ITPR1 protein. It affects a nucleotide within the consensus splice site. This variant is not present in population databases (gnomAD no frequency). This variant has not been reported in the literature in individuals affected with ITPR1-related conditions. ClinVar contains an entry for this variant (Variation ID: 2430817). Variants that disrupt the consensus splice site are a relatively common cause of aberrant splicing (PMID: 17576681, 9536098). Algorithms developed to predict the effect of sequence changes on RNA splicing suggest that this variant may disrupt the consensus splice site. In summary, the available evidence is currently insufficient to determine the role of this variant in disease. Therefore, it has been classified as a Variant of Uncertain Significance.

Literature cited by the submitters: PubMed 17576681 (cited by Labcorp Genetics (formerly Invitae), Labcorp); PubMed 9536098 (cited by Labcorp Genetics (formerly Invitae), Labcorp).